The following is an entry in ClinVar:

ClinVar aggregate classification (germline): Uncertain significance. Review status: criteria provided, multiple submitters, no conflicts (2 of 4 stars). 3 submissions from 3 submitters: Uncertain significance (3). Last evaluated 2023-09-19.

Conditions:
Xeroderma pigmentosum, group F (XPF). Also called: XERODERMA PIGMENTOSUM, COMPLEMENTATION GROUP F; ERCC4-Related Xeroderma Pigmentosum; XERODERMA PIGMENTOSUM, TYPE F; Xeroderma pigmentosum, type 6; XERODERMA PIGMENTOSUM VI; XP, GROUP F. Identifiers: MedGen C0268140, MONDO:0010215, OMIM 278760.
Cockayne syndrome. Identifiers: Orphanet 191, MedGen C0009207, MONDO:0016006.
Fanconi anemia complementation group Q. Identifiers: Orphanet 84, MedGen C3808988, MONDO:0014108, OMIM 615272.
Xeroderma pigmentosum (XP). Identifiers: Orphanet 910, MedGen C0043346, MONDO:0019600.

Allele frequency attached by ClinVar (database versions not stated): gnomAD exomes below 0.00001 and 0.00001; TOPMed below 0.00001; gnomAD 0.00001; ExAC 0.00002.
gnomAD v4.1: 6 of 1,612,024 alleles (0.00037%); highest among the groups gnomAD compares: Middle Eastern, 0.016%; no homozygotes.

Submissions (3):

Labcorp Genetics (formerly Invitae), Labcorp
Classification: Uncertain significance for Fanconi anemia complementation group Q; Xeroderma pigmentosum, group F; Cockayne syndrome. Last evaluated: 2023-09-19. Review status: criteria provided, single submitter. Criteria: Invitae Variant Classification Sherloc (09022015). Collection method: clinical testing. Allele origin: germline.
Comment: This missense change has been observed in individual(s) with Xeroderma pigmentosum (PMID: 27607234). This variant is present in population databases (rs749814308, gnomAD 0.004%). This sequence change replaces glycine, which is neutral and non-polar, with arginine, which is basic and polar, at codon 611 of the ERCC4 protein (p.Gly611Arg). ClinVar contains an entry for this variant (Variation ID: 1692878). In summary, the available evidence is currently insufficient to determine the role of this variant in disease. Therefore, it has been classified as a Variant of Uncertain Significance. Algorithms developed to predict the effect of sequence changes on RNA splicing suggest that this variant may disrupt the consensus splice site. Advanced modeling of protein sequence and biophysical properties (such as structural, functional, and spatial information, amino acid conservation, physicochemical variation, residue mobility, and thermodynamic stability) performed at Invitae indicates that this missense variant is not expected to disrupt ERCC4 protein function.

Women's Health and Genetics/Laboratory Corporation of America, LabCorp
Classification: Uncertain significance. Last evaluated: 2023-05-24. Review status: criteria provided, single submitter. Criteria: LabCorp Variant Classification Summary - May 2015. Collection method: clinical testing. Allele origin: germline.
Comment: Variant summary: ERCC4 c.1831G>A (p.Gly611Arg) results in a non-conservative amino acid change in the encoded protein sequence. Three of five in-silico tools predict a damaging effect of the variant on protein function. The variant allele was found at a frequency of 8e-06 in 251348 control chromosomes (gnomAD). The available data on variant occurrences in the general population are insufficient to allow any conclusion about variant significance. c.1831G>A has been reported in the literature as a compound heterozygous genotype in an individual affected with Xeroderma Pigmentosum (Zhou_2017). This report does not provide unequivocal conclusions about association of the variant with Xeroderma Pigmentosum. To our knowledge, no experimental evidence demonstrating an impact on protein function has been reported. The following publication has been ascertained in the context of this evaluation (PMID: 27607234). One clinical diagnostic laboratory has submitted a clinical-significance assessment for this variant to ClinVar after 2014 and classified the variant as uncertain significance. Based on the evidence outlined above, the variant was classified as uncertain significance.

Sema4
Classification: Uncertain significance for Xeroderma pigmentosum. Last evaluated: 2021-11-29. Review status: criteria provided, single submitter. Criteria: Sema4 Curation Guidelines. Collection method: curation. Allele origin: germline.
Comment: The ERCC4 c.1831G>A (p.G611R) variant has been reported as compound heterozygous in one individual with xeroderma pigmentosum (PMID: 27607234). This variant was observed in 3/282752 chromosomes in the large and broad cohorts of Genome Aggregation Database (PMID: 32461654). This variant has not been reported in ClinVar. Functional studies have not been performed, and in silico predictions of the variant's effect on protein function are inconclusive. The evidence is insufficient to meet ACMG/AMP criteria for classifying the variant as benign or pathogenic. Thus, the clinical significance of this variant is currently uncertain.

Literature cited by the submitters: PubMed 27607234 (cited by 3 submitters).

NM_005236.3(ERCC4):c.1831G>A (p.Gly611Arg)

Gene: ERCC4 (ERCC excision repair 4, endonuclease catalytic subunit; plus strand). Cytogenetic location: 16p13.12.
Variant type: single nucleotide variant.
Coding change: c.1831G>A on transcript NM_005236.3 (MANE Select); coding-DNA position 1831, G replaced by A.
Protein change: p.Gly611Arg; replaces glycine 611 with arginine.
Molecular consequence: missense variant.
Genome position (GRCh38, 1-based): chr16:13,937,785, G>A. VCF-style: chr16-13937785-G-A. GRCh37 (hg19) VCF-style: chr16-14031642-G-A.
Other names: short protein forms G611R.
Identifiers: ClinVar variation 1692878 (VCV001692878.5), dbSNP rs749814308, ClinGen allele CA7910567.